The following is an entry in ClinVar:

ClinVar aggregate classification (germline): Conflicting classifications of pathogenicity. Review status: criteria provided, conflicting classifications (1 of 4 stars). 16 submissions from 16 submitters: Uncertain significance (4); Benign (2); Likely benign (6). 4 of the submissions do not count toward it. Last evaluated 2026-06-01.

Conditions:
LOXHD1-related disorder. Also called: LOXHD1-related condition.
Autosomal recessive nonsyndromic hearing loss 77. Identifiers: Orphanet 90636, MedGen C2746083, MONDO:0013119, OMIM 613079.

Allele frequency attached by ClinVar (database versions not stated): 1000 Genomes Project 0.00080; 1000 Genomes Project 30x 0.00109; ExAC 0.00185; ESP Exome Variant Server 0.00241; gnomAD exomes 0.00274; gnomAD 0.00283 and 0.00295; TOPMed 0.00312.
gnomAD v4.1: 4,736 of 1,552,186 alleles (0.31%); highest among the groups gnomAD compares: Admixed American, 0.56%; 6 homozygotes.

Submissions (16):

CeGaT Center for Human Genetics Tuebingen
Classification: Likely benign. Last evaluated: 2026-06-01. Review status: criteria provided, single submitter. Criteria: CeGaT Center For Human Genetics Tuebingen Variant Classification Criteria Version 2. Collection method: clinical testing. Allele origin: germline. Affected: yes. Observed: 4 variant alleles.
Comment: LOXHD1: BS2

Labcorp Genetics (formerly Invitae), Labcorp
Classification: Likely benign. Last evaluated: 2026-01-28. Review status: criteria provided, single submitter. Criteria: Invitae Variant Classification Sherloc (09022015). Collection method: clinical testing. Allele origin: germline.

Mayo Clinic Laboratories, Mayo Clinic
Classification: Uncertain significance. Last evaluated: 2025-05-13. Review status: criteria provided, single submitter. Criteria: ACMG Guidelines, 2015. Collection method: clinical testing. Allele origin: germline. Observed: 1 variant allele.
Comment: BS1

Blueprint Genetics
Classification: Likely benign. Last evaluated: 2024-11-21. Review status: criteria provided, single submitter. Criteria: ACMG Guidelines, 2015. Collection method: clinical testing. Allele origin: germline.

Women's Health and Genetics/Laboratory Corporation of America, LabCorp
Classification: Benign. Last evaluated: 2022-02-23. Review status: criteria provided, single submitter. Criteria: LabCorp Variant Classification Summary - May 2015. Collection method: clinical testing. Allele origin: germline.
Comment: Variant summary: LOXHD1 c.1570C>T (p.Arg524Cys) results in a non-conservative amino acid change in the encoded protein sequence. Four of five in-silico tools predict a damaging effect of the variant on protein function. The variant allele was found at a frequency of 0.0027 in 160600 control chromosomes including one homozygote (gnomAD), predominantly at a frequency of 0.0044 within the Latino subpopulation in the gnomAD database. The observed variant frequency within Latino control individuals in the gnomAD database is approximately 4 fold of the estimated maximal expected allele frequency for a pathogenic variant in LOXHD1 causing Nonsyndromic Hearing Loss And Deafness, Type 77 phenotype (0.0011), suggesting that the variant is a benign polymorphism found primarily in populations of Latino origin. c.1570C>T has been reported in the literature in individuals affected with Nonsyndromic Hearing Loss And Deafness, Type 77 (Sheppard_2018), however this report does not provide unequivocal conclusions about association of the variant with Nonsyndromic Hearing Loss And Deafness, Type 77. To our knowledge, no experimental evidence demonstrating an impact on protein function has been reported. Eleven ClinVar submitters have assessed the variant since 2014: five have classified the variant as of uncertain significance, five as likely benign, and one as benign. Based on the evidence outlined above, the variant was classified as benign.

Athena Diagnostics
Classification: Likely benign. Last evaluated: 2020-07-24. Review status: criteria provided, single submitter. Criteria: Athena Diagnostics Criteria. Collection method: clinical testing. Allele origin: unknown.

GeneDx
Classification: Likely benign. Last evaluated: 2018-06-12. Review status: criteria provided, single submitter. Criteria: GeneDx Variant Classification (06012015). Collection method: clinical testing. Allele origin: germline. Affected: yes.
Comment: This variant is considered likely benign or benign based on one or more of the following criteria: it is a conservative change, it occurs at a poorly conserved position in the protein, it is predicted to be benign by multiple in silico algorithms, and/or has population frequency not consistent with disease.

Eurofins Ntd Llc (ga)
Classification: Likely benign. Last evaluated: 2017-12-26. Review status: criteria provided, single submitter. Criteria: EGL Classification Definitions 2015. Collection method: clinical testing. Allele origin: germline. Observed: 1 variant allele, 1 heterozygote.

Laboratory for Molecular Medicine, Mass General Brigham Personalized Medicine
Classification: Benign. Last evaluated: 2017-05-18. Review status: criteria provided, single submitter. Criteria: LMM Criteria. Collection method: clinical testing. Allele origin: germline. Observed: 17 variant alleles.
Comment: p.Arg524Cys in exon 12 of LOXHD1: This variant is not expected to have clinical significance because it has been identified in 0.5% (44/8578) of Ashkenazi Jewis h chromosomes and 0.4% (291/73944) of European chromosomes including 1 homozygot e by the Exome Aggregation Consortium (ExAC; dbS NP rs192376005}. This variant has also been reported in seven members of one fam ily with autosomal dominant, late onset Fuchs corneal dystrophy (FCD); however, one affected family member did not carry this variant and functional studies wer e not strongly supportive of pathogenicity (Riazzudin 2012). In summary, this va riant is benign based on its frequency in the general population and the evidenc e against an association with FCD, primarily the non-segregation.

Illumina Laboratory Services, Illumina
Classification: Uncertain significance for Autosomal recessive nonsyndromic hearing loss 77. Last evaluated: 2017-04-27. Review status: criteria provided, single submitter. Criteria: ICSL Variant Classification Criteria 13 December 2019. Collection method: clinical testing. Allele origin: germline.

Center for Pediatric Genomic Medicine, Children's Mercy Hospital and Clinics
Classification: Uncertain significance. Last evaluated: 2017-01-25. Review status: criteria provided, single submitter. Criteria: ACMG Guidelines, 2015. Collection method: clinical testing. Allele origin: germline.
ClinVar note: Converted during submission from Uncertain Significance to Uncertain significance.

Genomic Diagnostic Laboratory, Division of Genomic Diagnostics, Children's Hospital of Philadelphia
Classification: Uncertain significance. Last evaluated: 2015-10-30. Review status: criteria provided, single submitter. Criteria: DGD Variant Analysis Guidelines. Collection method: clinical testing. Allele origin: unknown.

Natera, Inc.
Classification: Likely benign for Autosomal recessive deafness type 77. Last evaluated: 2020-01-08. Review status: no assertion criteria provided. Collection method: clinical testing. Allele origin: germline. Not counted in ClinVar's aggregate classification.

PreventionGenetics, part of Exact Sciences
Classification: Likely benign for LOXHD1-related condition. Last evaluated: 2019-07-31. Review status: no assertion criteria provided. Collection method: clinical testing. Allele origin: germline. Not counted in ClinVar's aggregate classification.
Comment: This variant is classified as likely benign based on ACMG/AMP sequence variant interpretation guidelines (Richards et al. 2015 PMID: 25741868, with internal and published modifications).

Counsyl
Classification: Uncertain significance for Autosomal recessive nonsyndromic hearing loss 77. Last evaluated: 2017-03-06. Review status: no assertion criteria provided. Collection method: clinical testing. Allele origin: unknown. Not counted in ClinVar's aggregate classification.

Division of Human Genetics, Children's Hospital of Philadelphia
Classification: Uncertain significance for Autosomal recessive nonsyndromic hearing loss 77. Last evaluated: 2015-09-30. Review status: no assertion criteria provided. Collection method: research. Allele origin: paternal. Affected: yes. Study: CSER-PediSeq. Not counted in ClinVar's aggregate classification.

Literature cited by the submitters: PubMed 29907799 (cited by Mayo Clinic Laboratories, Mayo Clinic and Women's Health and Genetics/Laboratory Corporation of America, LabCorp); PubMed 22341973 (cited by 4 submitters); PubMed 29676012 (cited by Women's Health and Genetics/Laboratory Corporation of America, LabCorp).

NM_001384474.1(LOXHD1):c.1570C>T (p.Arg524Cys)

Gene: LOXHD1 (lipoxygenase homology PLAT domains 1; minus strand). Cytogenetic location: 18q21.1.
Variant type: single nucleotide variant.
Coding change: c.1570C>T on transcript NM_001384474.1 (MANE Select); coding-DNA position 1570, C replaced by T.
Protein change: p.Arg524Cys; replaces arginine 524 with cysteine.
Molecular consequence: missense variant.
Genome position (GRCh38, 1-based): chr18:46,592,017, G>A on the plus strand (C>T on the coding strand, the complement: LOXHD1 is on the minus strand). VCF-style: chr18-46592017-G-A. GRCh37 (hg19) VCF-style: chr18-44171980-G-A.
Other names: c.1570C>T, p.Arg524Cys (NM_144612.7); short protein forms R524C.
Identifiers: ClinVar variation 163930 (VCV000163930.53), dbSNP rs192376005, ClinGen allele CA176652.